The following is an entry in ClinVar:

NM_015272.5(RPGRIP1L):c.444T>C (p.Thr148=)

Gene: RPGRIP1L (RPGRIP1 like; minus strand). Cytogenetic location: 16q12.2.
Variant type: single nucleotide variant.
Coding change: c.444T>C on transcript NM_015272.5 (MANE Select); coding-DNA position 444, T replaced by C.
Protein change: p.Thr148=; no amino-acid change (threonine 148 retained).
Molecular consequence: synonymous variant.
Genome position (GRCh38, 1-based): chr16:53,692,151, A>G on the plus strand (T>C on the coding strand, the complement: RPGRIP1L is on the minus strand). VCF-style: chr16-53692151-A-G. GRCh37 (hg19) VCF-style: chr16-53726063-A-G.
Other names: c.444T>C, p.Thr148= (NM_001127897.4, NM_001308334.3, NM_001330538.2); c.444T>C (NM_015272.4).
Identifiers: ClinVar variation 319665 (VCV000319665.40), dbSNP rs202149647, ClinGen allele CA8058122.

ClinVar aggregate classification (germline): Conflicting classifications of pathogenicity. Review status: criteria provided, conflicting classifications (1 of 4 stars). 8 submissions from 6 submitters: Uncertain significance (3); Likely benign (3). 2 of the submissions do not count toward it. Last evaluated 2026-07-01.

Conditions:
RPGRIP1L-related disorder. Also called: RPGRIP1L-related condition; RPGRIP1L-related disorders. Identifiers: MedGen CN239416.
Joubert syndrome. Also called: Familial aplasia of the vermis; JOUBERT-BOLTSHAUSER SYNDROME. Identifiers: Orphanet 475, MedGen C5979921, MONDO:0018772.
Meckel-Gruber syndrome. Also called: DYSENCEPHALIA SPLANCHNOCYSTICA; GRUBER SYNDROME; Dysencephalia splachnocystica. Identifiers: Orphanet 564, MedGen C0265215, MONDO:0018921.
Nephronophthisis 8. Identifiers: MedGen CN119610.
Meckel syndrome, type 5 (MKS5). Identifiers: Orphanet 564, MedGen C1969052, MONDO:0012695, OMIM 611561.
Joubert syndrome 7 (JBTS7). Identifiers: Orphanet 220497, MedGen C1969053, MONDO:0012694, OMIM 611560.

Allele frequency attached by ClinVar (database versions not stated): gnomAD exomes 0.00010 and 0.00019; ExAC 0.00014; TOPMed 0.00015; gnomAD 0.00019 and 0.00021.
gnomAD v4.1: 185 of 1,613,058 alleles (0.011%); highest among the groups gnomAD compares: African/African-American, 0.0013%; no homozygotes.

Submissions (8):

CeGaT Center for Human Genetics Tuebingen
Classification: Likely benign. Last evaluated: 2026-07-01. Review status: criteria provided, single submitter. Criteria: CeGaT Center For Human Genetics Tuebingen Variant Classification Criteria Version 2. Collection method: clinical testing. Allele origin: germline. Affected: yes. Observed: 2 variant alleles.
Comment: RPGRIP1L: BP4, BP7

Labcorp Genetics (formerly Invitae), Labcorp
Classification: Likely benign for Joubert syndrome; Meckel-Gruber syndrome. Last evaluated: 2026-01-21. Review status: criteria provided, single submitter. Criteria: Invitae Variant Classification Sherloc (09022015). Collection method: clinical testing. Allele origin: germline.

Blueprint Genetics
Classification: Likely benign. Last evaluated: 2024-04-30. Review status: criteria provided, single submitter. Criteria: ACMG Guidelines, 2015. Collection method: clinical testing. Allele origin: germline.

Illumina Laboratory Services, Illumina
Classification: Uncertain significance for Joubert syndrome 7. Last evaluated: 2018-01-13. Review status: criteria provided, single submitter. Criteria: ICSL Variant Classification Criteria 13 December 2019. Collection method: clinical testing. Allele origin: germline.

Illumina Laboratory Services, Illumina
Classification: Uncertain significance for Nephronophthisis 8. Last evaluated: 2018-01-13. Review status: criteria provided, single submitter. Criteria: ICSL Variant Classification Criteria 13 December 2019. Collection method: clinical testing. Allele origin: germline.

Illumina Laboratory Services, Illumina
Classification: Uncertain significance for Meckel syndrome, type 5. Last evaluated: 2018-01-13. Review status: criteria provided, single submitter. Criteria: ICSL Variant Classification Criteria 13 December 2019. Collection method: clinical testing. Allele origin: germline.

Natera, Inc.
Classification: Likely benign for Joubert syndrome. Last evaluated: 2020-06-03. Review status: no assertion criteria provided. Collection method: clinical testing. Allele origin: germline. Not counted in ClinVar's aggregate classification.

PreventionGenetics, part of Exact Sciences
Classification: Likely benign for RPGRIP1L-related condition. Last evaluated: 2019-07-23. Review status: no assertion criteria provided. Collection method: clinical testing. Allele origin: germline. Not counted in ClinVar's aggregate classification.
Comment: This variant is classified as likely benign based on ACMG/AMP sequence variant interpretation guidelines (Richards et al. 2015 PMID: 25741868, with internal and published modifications).